The following is an entry in ClinVar:

NM_001111125.3(IQSEC2):c.4204G>A (p.Ala1402Thr)

Gene: IQSEC2 (IQ motif and Sec7 domain ArfGEF 2; minus strand). Cytogenetic location: Xp11.22.
Variant type: single nucleotide variant.
Coding change: c.4204G>A on transcript NM_001111125.3 (MANE Select); coding-DNA position 4204, G replaced by A.
Protein change: p.Ala1402Thr; replaces alanine 1402 with threonine.
Molecular consequence: missense variant. On other transcripts: 3 prime UTR variant (1).
Genome position (GRCh38, 1-based): chrX:53,234,482, C>T on the plus strand (G>A on the coding strand, the complement: IQSEC2 is on the minus strand). VCF-style: chrX-53234482-C-T. GRCh37 (hg19) VCF-style: chrX-53263664-C-T.
Other names: c.*689G>A (NM_015075.2); short protein forms A1402T.
Identifiers: ClinVar variation 426456 (VCV000426456.12), dbSNP rs1085307636, ClinGen allele CA413139112.
Genomic context (GRCh38, chrX:53,234,482, plus strand): 5'-GGGGGTGGTGGGGGTGGGAGTAGGAGCCCCCTGGTGGCCGGGATCCAGGGCCCCCAGCCG[C>T]GCCTGCTGCTGGCATCATCTGTGGGTGGTGGCTGAAGATGAAGTGCTTAGGGCCCTGTTT-3'
Protein context (NP_001104595.1, residues 1392-1412): HHPQMMPAAG[Ala1402Thr]AGGPGSRPPG

ClinVar aggregate classification (germline): Likely benign. Review status: criteria provided, multiple submitters, no conflicts (2 of 4 stars). 3 submissions from 3 submitters: Likely benign (3). Last evaluated 2026-09-01.

Conditions:
Intellectual developmental disorder, X-linked 1. Also called: Intellectual disability, X-linked 1; Atkin Flaitz Patil Smith syndrome; MENTAL RETARDATION, X-LINKED 18; MENTAL RETARDATION, X-LINKED 78. Identifiers: Orphanet 777, MedGen C2931498, MONDO:0010656, OMIM 309530.

Allele frequency attached by ClinVar (database versions not stated): TOPMed 0.00001; gnomAD 0.00003; gnomAD exomes 0.00004.
gnomAD v4.1: 40 of 1,081,080 alleles (0.0037%); highest among the groups gnomAD compares: South Asian, 0.0076%; no homozygotes.

Submissions (3):

CeGaT Center for Human Genetics Tuebingen
Classification: Likely benign. Last evaluated: 2026-09-01. Review status: criteria provided, single submitter. Criteria: CeGaT Center For Human Genetics Tuebingen Variant Classification Criteria Version 2. Collection method: clinical testing. Allele origin: germline. Affected: yes. Observed: 1 variant allele.
Comment: IQSEC2: PP2, BS2

Labcorp Genetics (formerly Invitae), Labcorp
Classification: Likely benign for Intellectual developmental disorder, X-linked 1. Last evaluated: 2024-02-18. Review status: criteria provided, single submitter. Criteria: Invitae Variant Classification Sherloc (09022015). Collection method: clinical testing. Allele origin: germline.

GeneDx
Classification: Likely benign. Last evaluated: 2019-01-03. Review status: criteria provided, single submitter. Criteria: GeneDx Variant Classification Process June 2021. Collection method: clinical testing. Allele origin: germline. Affected: yes.
Comment: In silico analysis, which includes protein predictors and evolutionary conservation, supports that this variant does not alter protein structure/function; Has not been previously published as pathogenic or benign to our knowledge; This variant is associated with the following publications: (PMID: 33368194)